The following is an entry in ClinVar:

ClinVar aggregate classification (germline): Uncertain significance. Review status: criteria provided, multiple submitters, no conflicts (2 of 4 stars). 3 submissions from 3 submitters: Uncertain significance (3). Last evaluated 2024-09-11.

Conditions:
Inborn genetic diseases. Identifiers: MedGen C0950123, MeSH D030342.

Allele frequency attached by ClinVar (database versions not stated): gnomAD exomes 0.00002 and 0.00005; ExAC 0.00007.

Submissions (3):

Labcorp Genetics (formerly Invitae), Labcorp
Classification: Uncertain significance. Last evaluated: 2024-09-11. Review status: criteria provided, single submitter. Criteria: Invitae Variant Classification Sherloc (09022015). Collection method: clinical testing. Allele origin: germline.
Comment: This sequence change replaces leucine, which is neutral and non-polar, with phenylalanine, which is neutral and non-polar, at codon 34 of the GUCA1A protein (p.Leu34Phe). This variant is present in population databases (rs766078574, gnomAD 0.04%). This variant has not been reported in the literature in individuals affected with GUCA1A-related conditions. ClinVar contains an entry for this variant (Variation ID: 1018586). An algorithm developed to predict the effect of missense changes on protein structure and function (PolyPhen-2) suggests that this variant is likely to be disruptive. In summary, the available evidence is currently insufficient to determine the role of this variant in disease. Therefore, it has been classified as a Variant of Uncertain Significance.

Ambry Genetics
Classification: Uncertain significance for Inborn genetic diseases. Last evaluated: 2023-03-01. Review status: criteria provided, single submitter. Criteria: Ambry Variant Classification Scheme 2023. Collection method: clinical testing. Allele origin: germline.

Blueprint Genetics
Classification: Uncertain significance. Last evaluated: 2019-05-03. Review status: criteria provided, single submitter. Criteria: ACMG Guidelines, 2015. Collection method: clinical testing. Allele origin: germline.

NM_001384910.1(GUCA1A):c.100C>T (p.Leu34Phe)

Genes: GUCA1A (guanylate cyclase activator 1A; plus strand), GUCA1ANB-GUCA1A (GUCA1ANB-GUCA1A readthrough; plus strand). Cytogenetic location: 6p21.1.
Variant type: single nucleotide variant.
Coding change: c.100C>T on transcript NM_001384910.1 (MANE Select); coding-DNA position 100, C replaced by T.
Protein change: p.Leu34Phe; replaces leucine 34 with phenylalanine.
Molecular consequence: missense variant.
Genome position (GRCh38, 1-based): chr6:42,173,713, C>T. VCF-style: chr6-42173713-C-T. GRCh37 (hg19) VCF-style: chr6-42141451-C-T.
Other names: c.100C>T, p.Leu34Phe (NM_000409.5, NM_001319061.2, NM_001319062.2); short protein forms L34F.
Identifiers: ClinVar variation 1018586 (VCV001018586.13), dbSNP rs766078574, ClinGen allele CA3805262.